The following is an entry in ClinVar:

NM_003126.4(SPTA1):c.1571C>T (p.Ala524Val)

Gene: SPTA1 (spectrin alpha, erythrocytic 1; minus strand). Cytogenetic location: 1q23.1.
Variant type: single nucleotide variant.
Coding change: c.1571C>T on transcript NM_003126.4 (MANE Select); coding-DNA position 1571, C replaced by T.
Protein change: p.Ala524Val; replaces alanine 524 with valine.
Molecular consequence: missense variant.
Genome position (GRCh38, 1-based): chr1:158,671,371, G>A on the plus strand (C>T on the coding strand, the complement: SPTA1 is on the minus strand). VCF-style: chr1-158671371-G-A. GRCh37 (hg19) VCF-style: chr1-158641161-G-A.
Other names: short protein forms A524V.
Identifiers: ClinVar variation 4748610 (VCV004748610.1).

ClinVar aggregate classification (germline): Uncertain significance (1 of 4 stars; one submission).

gnomAD v4.1: 17 of 1,613,514 alleles (0.0011%); highest among the groups gnomAD compares: Non-Finnish European, 0.0013%; no homozygotes.

Submission:

Labcorp Genetics (formerly Invitae), Labcorp
Classification: Uncertain significance. Last evaluated: 2025-12-27. Review status: criteria provided, single submitter. Criteria: Invitae Variant Classification Sherloc (09022015). Collection method: clinical testing. Allele origin: germline.
Comment: This sequence change replaces alanine, which is neutral and non-polar, with valine, which is neutral and non-polar, at codon 524 of the SPTA1 protein (p.Ala524Val). This variant is present in population databases (rs184260027, gnomAD 0.007%). This variant has not been reported in the literature in individuals affected with SPTA1-related conditions. Invitae Evidence Modeling of protein sequence and biophysical properties (such as structural, functional, and spatial information, amino acid conservation, physicochemical variation, residue mobility, and thermodynamic stability) indicates that this missense variant is expected to disrupt SPTA1 protein function with a positive predictive value of 80%. In summary, the available evidence is currently insufficient to determine the role of this variant in disease. Therefore, it has been classified as a Variant of Uncertain Significance.